The following is an entry in ClinVar:

NM_024301.5(FKRP):c.295_299del (p.Val99fs)

Gene: FKRP (fukutin related protein; plus strand). Cytogenetic location: 19q13.32.
Variant type: Deletion.
Coding change: c.295_299del on transcript NM_024301.5 (MANE Select); coding-DNA positions 295 to 299, 5 bases deleted (GTGCG; older notation c.295_299delGTGCG).
Protein change: p.Val99fs; shifts the reading frame from valine 99.
Molecular consequence: frameshift variant.
Genome position (GRCh38, 1-based): chr19:46,755,745-46,755,749, GTGCG deleted. VCF-style (leftmost placement, unchanged base first): chr19-46755744-CGTGCG-C. GRCh37 (hg19) VCF-style: chr19-47259001-CGTGCG-C.
Other names: c.295_299del, p.Val99fs (NM_001039885.3); short protein forms V99fs.
Identifiers: ClinVar variation 3631891 (VCV003631891.2).

ClinVar aggregate classification (germline): Pathogenic (1 of 4 stars; one submission).

Conditions:
Walker-Warburg congenital muscular dystrophy. Also called: Muscular dystrophy-dystroglycanopathy, type A; Walker-Warburg syndrome. Identifiers: Orphanet 899, MedGen C0265221, MONDO:0000171.

Submission:

Labcorp Genetics (formerly Invitae), Labcorp
Classification: Pathogenic for Walker-Warburg congenital muscular dystrophy. Last evaluated: 2024-04-25. Review status: criteria provided, single submitter. Criteria: Invitae Variant Classification Sherloc (09022015). Collection method: clinical testing. Allele origin: germline.
Comment: This sequence change creates a premature translational stop signal (p.Val99Serfs*31) in the FKRP gene. While this is not anticipated to result in nonsense mediated decay, it is expected to disrupt the last 397 amino acid(s) of the FKRP protein. This variant is not present in population databases (gnomAD no frequency). This variant has not been reported in the literature in individuals affected with FKRP-related conditions. This variant disrupts a region of the FKRP protein in which other variant(s) (p.Ile478Thr) have been determined to be pathogenic (PMID: 16476814, 18639457, 19299310). This suggests that this is a clinically significant region of the protein, and that variants that disrupt it are likely to be disease-causing. For these reasons, this variant has been classified as Pathogenic.

Literature cited by the submitters: PubMed 16476814; PubMed 18639457; PubMed 19299310.